The following is an entry in ClinVar:

ClinVar aggregate classification (germline): Benign. Review status: criteria provided, multiple submitters, no conflicts (2 of 4 stars). 3 submissions from 3 submitters: Benign (3). Last evaluated 2021-05-06.

Conditions:
Premature ovarian failure 6 (POF6). Identifiers: MedGen C2676742, MONDO:0012861, OMIM 612310.

Allele frequency attached by ClinVar (database versions not stated): ExAC 0.01267; ESP Exome Variant Server 0.00008; gnomAD exomes 0.01049 and 0.00501; gnomAD 0.00284 and 0.00008; 1000 Genomes Project 30x 0.02061; TOPMed 0.00054; 1000 Genomes Project 0.02157.
gnomAD v4.1: 7,799 of 1,611,756 alleles (0.48%); highest among the groups gnomAD compares: South Asian, 8.1%; 390 homozygotes.

Submissions (3):

GeneDx
Classification: Benign. Last evaluated: 2021-05-06. Review status: criteria provided, single submitter. Criteria: GeneDx Variant Classification Process June 2021. Collection method: clinical testing. Allele origin: germline. Affected: yes.

Illumina Laboratory Services, Illumina
Classification: Benign for Premature ovarian failure 6. Last evaluated: 2018-01-12. Review status: criteria provided, single submitter. Criteria: ICSL Variant Classification Criteria 13 December 2019. Collection method: clinical testing. Allele origin: germline.
Comment: This variant was observed in the ICSL laboratory as part of a predisposition screen in an ostensibly healthy population. It had not been previously curated by ICSL or reported in the Human Gene Mutation Database (HGMD: prior to June 1st, 2018), and was therefore a candidate for classification through an automated scoring system. Utilizing variant allele frequency, disease prevalence and penetrance estimates, and inheritance mode, an automated score was calculated to assess if this variant is too frequent to cause the disease. Based on the score and internal cut-off values, a variant classified as benign is not then subjected to further curation. The score for this variant resulted in a classification of benign for this disease.

Breakthrough Genomics
Classification: Benign. Review status: criteria provided, single submitter. Criteria: ACMG Guidelines, 2015. Collection method: not provided. Allele origin: germline. Inheritance: Autosomal dominant inheritance. Affected: yes.

NM_001004311.3(FIGLA):c.234A>T (p.Ile78=)

Gene: FIGLA (folliculogenesis specific bHLH transcription factor; minus strand). Cytogenetic location: 2p13.3.
Variant type: single nucleotide variant.
Coding change: c.234A>T on transcript NM_001004311.3 (MANE Select); coding-DNA position 234, A replaced by T.
Protein change: p.Ile78=; no amino-acid change (isoleucine 78 retained).
Molecular consequence: synonymous variant.
Genome position (GRCh38, 1-based): chr2:70,787,799, T>A on the plus strand (A>T on the coding strand, the complement: FIGLA is on the minus strand). VCF-style: chr2-70787799-T-A. GRCh37 (hg19) VCF-style: chr2-71014931-T-A.
Identifiers: ClinVar variation 336912 (VCV000336912.8), dbSNP rs199650129, ClinGen allele CA1699694.